The following is an entry in ClinVar:

ClinVar aggregate classification (germline): Uncertain significance (1 of 4 stars; one submission).

Conditions:
Combined oxidative phosphorylation defect type 14. Also called: Combined oxidative phosphorylation deficiency 14. Identifiers: Orphanet 319519, MedGen C4755312, MONDO:0013986, OMIM 614946.

Submission:

Labcorp Genetics (formerly Invitae), Labcorp
Classification: Uncertain significance for Combined oxidative phosphorylation defect type 14. Last evaluated: 2022-01-13. Review status: criteria provided, single submitter. Criteria: Invitae Variant Classification Sherloc (09022015). Collection method: clinical testing. Allele origin: germline.
Comment: ClinVar contains an entry for this variant (Variation ID: 1043332). This variant has not been reported in the literature in individuals affected with FARS2-related conditions. This variant is not present in population databases (gnomAD no frequency). This sequence change replaces aspartic acid, which is acidic and polar, with asparagine, which is neutral and polar, at codon 336 of the FARS2 protein (p.Asp336Asn). Advanced modeling of protein sequence and biophysical properties (such as structural, functional, and spatial information, amino acid conservation, physicochemical variation, residue mobility, and thermodynamic stability) performed at Invitae indicates that this missense variant is expected to disrupt FARS2 protein function. In summary, the available evidence is currently insufficient to determine the role of this variant in disease. Therefore, it has been classified as a Variant of Uncertain Significance.

NM_006567.5(FARS2):c.1006G>A (p.Asp336Asn)

Gene: FARS2 (phenylalanyl-tRNA synthetase 2, mitochondrial; plus strand). Cytogenetic location: 6p25.1.
Variant type: single nucleotide variant.
Coding change: c.1006G>A on transcript NM_006567.5 (MANE Select); coding-DNA position 1006, G replaced by A.
Protein change: p.Asp336Asn; replaces aspartic acid 336 with asparagine.
Molecular consequence: missense variant.
Genome position (GRCh38, 1-based): chr6:5,545,281, G>A. VCF-style: chr6-5545281-G-A. GRCh37 (hg19) VCF-style: chr6-5545514-G-A.
Other names: c.1006G>A, p.Asp336Asn (NM_001318872.2, NM_001374875.1, NM_001374876.1 and 4 more transcripts); c.874G>A, p.Asp292Asn (NM_001375258.1); c.310G>A, p.Asp104Asn (NM_001375259.1, NM_001375260.1); short protein forms D336N, D104N, D292N.
Identifiers: ClinVar variation 1043332 (VCV001043332.8), dbSNP rs1770899112, ClinGen allele CA362736587.